The following is an entry in ClinVar:

ClinVar aggregate classification (germline): Likely pathogenic (0 of 4 stars; one submission).

Conditions:
ASS1-related disorder. Also called: ASS1-related condition.

Submission:

PreventionGenetics, part of Exact Sciences
Classification: Likely pathogenic for ASS1-related condition. Last evaluated: 2023-12-02. Review status: no assertion criteria provided. Collection method: clinical testing. Allele origin: germline.
Comment: The ASS1 c.1036G>T variant is predicted to result in premature protein termination (p.Glu346*). To our knowledge, this variant has not been reported in the literature or in a large population database, indicating this variant is rare. Nonsense variants in ASS1 are expected to be pathogenic. This variant is interpreted as likely pathogenic.

NM_054012.4(ASS1):c.1036G>T (p.Glu346Ter)

Gene: ASS1 (argininosuccinate synthase 1; plus strand). Cytogenetic location: 9q34.11.
Variant type: single nucleotide variant.
Coding change: c.1036G>T on transcript NM_054012.4 (MANE Select); coding-DNA position 1036, G replaced by T.
Protein change: p.Glu346Ter; replaces glutamic acid 346 with a stop codon.
Molecular consequence: nonsense.
Genome position (GRCh38, 1-based): chr9:130,494,932, G>T. VCF-style: chr9-130494932-G-T. GRCh37 (hg19) VCF-style: chr9-133370319-G-T.
Other names: c.1036G>T, p.Glu346Ter (NM_000050.4); short protein forms E346*.
Identifiers: ClinVar variation 3060244 (VCV003060244.2), dbSNP rs2490621864, ClinGen allele CA375231920.
Genomic context (GRCh38, chr9:130,494,932, plus strand): 5'-TGGCACAGCCCTGAGTGTGAATTTGTCCGCCACTGCATCGCCAAGTCCCAGGAGCGAGTG[G>T]AAGGGAAAGTGCAGGTGTCCGTCCTCAAGGGCCAGGTGTACATCCTCGGCCGGGAGTCCC-3'